The following is an entry in ClinVar:

ClinVar aggregate classification (germline): Likely pathogenic (1 of 4 stars; one submission).

Conditions:
Inborn genetic diseases. Identifiers: MedGen C0950123, MeSH D030342.

Submission:

Ambry Genetics
Classification: Likely pathogenic for Inborn genetic diseases. Last evaluated: 2023-09-21. Review status: criteria provided, single submitter. Criteria: Ambry Variant Classification Scheme 2023. Collection method: clinical testing. Allele origin: germline.
Comment: The c.506G>A (p.R169H) alteration is located in coding exon 1 of the PURA gene. This alteration results from a G to A substitution at nucleotide position 506, causing the arginine (R) at amino acid position 169 to be replaced by a histidine (H). This variant was not reported in population-based cohorts in the Genome Aggregation Database (gnomAD). This amino acid position is highly conserved in available vertebrate species. The in silico prediction for this alteration is inconclusive. Based on the available evidence, this alteration is classified as likely pathogenic.

NM_005859.5(PURA):c.506G>A (p.Arg169His)

Gene: PURA (purine rich element binding protein A; plus strand). Cytogenetic location: 5q31.3.
Variant type: single nucleotide variant.
Coding change: c.506G>A on transcript NM_005859.5 (MANE Select); coding-DNA position 506, G replaced by A.
Protein change: p.Arg169His; replaces arginine 169 with histidine.
Molecular consequence: missense variant.
Genome position (GRCh38, 1-based): chr5:140,114,687, G>A. VCF-style: chr5-140114687-G-A. GRCh37 (hg19) VCF-style: chr5-139494272-G-A.
Other names: short protein forms R169H.
Identifiers: ClinVar variation 3149819 (VCV003149819.1), dbSNP rs1554129099, ClinGen allele CA361490927.
Genomic context (GRCh38, chr5:140,114,687, plus strand): 5'-TGCGCGAGAACCGCAAGTACTACATGGATCTCAAGGAGAACCAGCGCGGCCGCTTCCTGC[G>A]CATCCGCCAGACGGTCAACCGGGGGCCTGGCCTGGGCTCCACGCAGGGCCAGACCATTGC-3'
Protein context (NP_005850.1, residues 159-179): LKENQRGRFL[Arg169His]IRQTVNRGPG